The following is an entry in ClinVar:

ClinVar aggregate classification (germline): Uncertain significance (1 of 4 stars; one submission).

Conditions:
Cardiovascular phenotype. Identifiers: MedGen CN230736.

Submission:

Ambry Genetics
Classification: Uncertain significance for Cardiovascular phenotype. Last evaluated: 2024-07-14. Review status: criteria provided, single submitter. Criteria: Ambry Variant Classification Scheme 2023. Collection method: clinical testing. Allele origin: germline.
Comment: The p.T236S variant (also known as c.706A>T), located in coding exon 3 of the APOA5 gene, results from an A to T substitution at nucleotide position 706. The threonine at codon 236 is replaced by serine, an amino acid with similar properties. This amino acid position is conserved. In addition, this alteration is predicted to be tolerated by in silico analysis. Based on the available evidence, the clinical significance of this variant remains unclear.

NM_001371904.1(APOA5):c.706A>T (p.Thr236Ser)

Gene: APOA5 (apolipoprotein A5; minus strand). Cytogenetic location: 11q23.3.
Variant type: single nucleotide variant.
Coding change: c.706A>T on transcript NM_001371904.1 (MANE Select); coding-DNA position 706, A replaced by T.
Protein change: p.Thr236Ser; replaces threonine 236 with serine.
Molecular consequence: missense variant.
Genome position (GRCh38, 1-based): chr11:116,790,523, T>A on the plus strand (A>T on the coding strand, the complement: APOA5 is on the minus strand). VCF-style: chr11-116790523-T-A. GRCh37 (hg19) VCF-style: chr11-116661239-T-A.
Other names: c.706A>T, p.Thr236Ser (NM_001166598.2, NM_052968.5); short protein forms T236S.
Identifiers: ClinVar variation 3414370 (VCV003414370.1).